The following is an entry in ClinVar:

ClinVar aggregate classification (germline): Uncertain significance (1 of 4 stars; one submission).

Conditions:
Cardiovascular phenotype. Identifiers: MedGen CN230736.

Submission:

Ambry Genetics
Classification: Uncertain significance for Cardiovascular phenotype. Last evaluated: 2022-08-10. Review status: criteria provided, single submitter. Criteria: Ambry Variant Classification Scheme 2023. Collection method: clinical testing. Allele origin: germline.
Comment: The p.N329D variant (also known as c.985A>G), located in coding exon 6 of the FLNC gene, results from an A to G substitution at nucleotide position 985. The asparagine at codon 329 is replaced by aspartic acid, an amino acid with highly similar properties. This amino acid position is conserved. In addition, this alteration is predicted to be tolerated by in silico analysis. Since supporting evidence is limited at this time, the clinical significance of this alteration remains unclear.

NM_001458.5(FLNC):c.985A>G (p.Asn329Asp)

Gene: FLNC (filamin C; plus strand). Cytogenetic location: 7q32.1.
Variant type: single nucleotide variant.
Coding change: c.985A>G on transcript NM_001458.5 (MANE Select); coding-DNA position 985, A replaced by G.
Protein change: p.Asn329Asp; replaces asparagine 329 with aspartic acid.
Molecular consequence: missense variant.
Genome position (GRCh38, 1-based): chr7:128,838,002, A>G. VCF-style: chr7-128838002-A-G. GRCh37 (hg19) VCF-style: chr7-128478056-A-G.
Other names: c.985A>G, p.Asn329Asp (NM_001127487.2); short protein forms N329D.
Identifiers: ClinVar variation 1768411 (VCV001768411.2), dbSNP rs62479628, ClinGen allele CA166214655.
Genomic context (GRCh38, chr7:128,838,002, plus strand): 5'-GCTATGGTCATTGGAGAGGCTTCCAATCTTTTTCCTTCCTAATAGGCTAAGGTGGTTCCC[A>G]ACAATGACAAGGATCGCACCTATGCTGTCTCCTATGTGCCCAAGGTCGCTGGGTTACACA-3'
Protein context (NP_001449.3, residues 319-339): GHTEEAKVVP[Asn329Asp]NDKDRTYAVS